The following is an entry in ClinVar:

NM_000548.5(TSC2):c.4024C>T (p.Gln1342Ter)

Gene: TSC2 (TSC complex subunit 2; plus strand). Cytogenetic location: 16p13.3.
Variant type: single nucleotide variant.
Coding change: c.4024C>T on transcript NM_000548.5 (MANE Select); coding-DNA position 4024, C replaced by T.
Protein change: p.Gln1342Ter; replaces glutamine 1342 with a stop codon.
Molecular consequence: nonsense.
Genome position (GRCh38, 1-based): chr16:2,084,246, C>T. VCF-style: chr16-2084246-C-T. GRCh37 (hg19) VCF-style: chr16-2134247-C-T.
Other names: c.3823C>T, p.Gln1275Ter (NM_001077183.3); c.3955C>T, p.Gln1319Ter (NM_001114382.3); c.3715C>T, p.Gln1239Ter (NM_001318827.2); c.3679C>T, p.Gln1227Ter (NM_001318829.2); c.3292C>T, p.Gln1098Ter (NM_001318831.2); c.3856C>T, p.Gln1286Ter (NM_001318832.2); c.3826C>T, p.Gln1276Ter (NM_001363528.2); c.3892C>T, p.Gln1298Ter (NM_001370404.1); and 1 more; short protein forms Q1342*, Q1227*, Q1275*, Q1286*, Q1299*, Q1319*, Q1098*, Q1239*.
Identifiers: ClinVar variation 65012 (VCV000065012.9), dbSNP rs397515003, ClinGen allele CA019843.

ClinVar aggregate classification (germline): Pathogenic. Review status: criteria provided, multiple submitters, no conflicts (2 of 4 stars). 3 submissions from 3 submitters: Pathogenic (2). 1 of the submissions does not count toward it. Last evaluated 2024-08-07.

Conditions:
Tuberous sclerosis syndrome (TSC). Also called: Tuberous Sclerosis Complex; Tuberous sclerosis. Identifiers: Orphanet 805, MedGen C0041341, MONDO:0001734.
Tuberous sclerosis 2 (TSC2). Identifiers: Orphanet 805, MedGen C1860707, MONDO:0013199, OMIM 613254.

Submissions (3):

Labcorp Genetics (formerly Invitae), Labcorp
Classification: Pathogenic for Tuberous sclerosis 2. Last evaluated: 2024-08-07. Review status: criteria provided, single submitter. Criteria: Invitae Variant Classification Sherloc (09022015). Collection method: clinical testing. Allele origin: germline.
Comment: This sequence change creates a premature translational stop signal (p.Gln1342*) in the TSC2 gene. It is expected to result in an absent or disrupted protein product. Loss-of-function variants in TSC2 are known to be pathogenic (PMID: 10205261, 17304050). This variant is not present in population databases (gnomAD no frequency). This premature translational stop signal has been observed in individual(s) with tuberous sclerosis (PMID: 32211034). In at least one individual the variant was observed to be de novo. ClinVar contains an entry for this variant (Variation ID: 65012). For these reasons, this variant has been classified as Pathogenic.

Athena Diagnostics
Classification: Pathogenic. Last evaluated: 2024-01-24. Review status: criteria provided, single submitter. Criteria: Athena Diagnostics Criteria. Collection method: clinical testing. Allele origin: unknown.
Comment: This variant is expected to result in the loss of a functional protein. This variant has been identified in at least one individual with clinical features associated with this gene. This variant has not been reported in large, multi-ethnic general populations.

Tuberous sclerosis database (TSC2)
No classification provided. Condition: TSC. Review status: no classification provided. Criteria: Tuberous Sclerosis Database Assertion Criteria 2015. Collection method: curation. Allele origin: germline. Affected: yes. Not counted in ClinVar's aggregate classification.

Literature cited by the submitters: PubMed 10205261 (cited by Labcorp Genetics (formerly Invitae), Labcorp); PubMed 17304050 (cited by Labcorp Genetics (formerly Invitae), Labcorp); PubMed 32211034 (cited by Labcorp Genetics (formerly Invitae), Labcorp and Athena Diagnostics); PubMed 34252879 (cited by Athena Diagnostics).